The following is an entry in ClinVar:

ClinVar aggregate classification (germline): Likely benign (1 of 4 stars; one submission).

Submission:

Mayo Clinic Laboratories, Mayo Clinic
Classification: Likely benign. Last evaluated: 2025-09-08. Review status: criteria provided, single submitter. Criteria: ACMG Guidelines, 2015. Collection method: clinical testing. Allele origin: germline. Observed: 1 variant allele.
Comment: BS2, BP4

NM_002608.4(PDGFB):c.337C>T (p.Arg113Cys)

Gene: PDGFB (platelet derived growth factor subunit B; minus strand). Cytogenetic location: 22q13.1.
Variant type: single nucleotide variant.
Coding change: c.337C>T on transcript NM_002608.4 (MANE Select); coding-DNA position 337, C replaced by T.
Protein change: p.Arg113Cys; replaces arginine 113 with cysteine.
Molecular consequence: missense variant.
Genome position (GRCh38, 1-based): chr22:39,231,741, G>A on the plus strand (C>T on the coding strand, the complement: PDGFB is on the minus strand). VCF-style: chr22-39231741-G-A. GRCh37 (hg19) VCF-style: chr22-39627746-G-A.
Other names: p.Arg113Cys; c.292C>T, p.Arg98Cys (NM_033016.3); short protein forms R113C, R98C.
Identifiers: ClinVar variation 4684493 (VCV004684493.1).